The following is an entry in ClinVar:

NM_001014447.3(CPZ):c.*7C>G

Gene: CPZ (carboxypeptidase Z; plus strand). Cytogenetic location: 4p16.1.
Variant type: single nucleotide variant.
Coding change: c.*7C>G on transcript NM_001014447.3 (MANE Select); 7 bases downstream of the stop codon, C replaced by G.
Molecular consequence: 3 prime UTR variant.
Genome position (GRCh38, 1-based): chr4:8,619,624, C>G. VCF-style: chr4-8619624-C-G. GRCh37 (hg19) VCF-style: chr4-8621351-C-G.
Other names: c.*7C>G (NM_001014448.3, NM_003652.4).
Identifiers: ClinVar variation 3034544 (VCV003034544.2), dbSNP rs112995933, ClinGen allele CA2854203.
Genomic context (GRCh38, chr4:8,619,624, plus strand): 5'-TCCTACTTCACATCGCTGAGCACCCACAGGCCACGCTGGCTGCTCAAGTACTAGCCCCGG[C>G]CCCAGCACCCGCCAGGATGTGGAGACCGAGGCCCATCTCCGCATCCCGGGCTCCTGGCTC-3'

ClinVar aggregate classification (germline): Likely benign (0 of 4 stars; one submission).

Conditions:
CPZ-related disorder. Also called: CPZ-related condition.

Allele frequency attached by ClinVar (database versions not stated): 1000 Genomes Project 0.00040; 1000 Genomes Project 30x 0.00062; ESP Exome Variant Server 0.00308; ExAC 0.00353.
gnomAD v4.1: 4,965 of 1,479,516 alleles (0.34%); highest among the groups gnomAD compares: Non-Finnish European, 0.41%; 13 homozygotes.

Submission:

PreventionGenetics, part of Exact Sciences
Classification: Likely benign for CPZ-related condition. Last evaluated: 2019-12-05. Review status: no assertion criteria provided. Collection method: clinical testing. Allele origin: germline.
Comment: This variant is classified as likely benign based on ACMG/AMP sequence variant interpretation guidelines (Richards et al. 2015 PMID: 25741868, with internal and published modifications).